The following is an entry in ClinVar:

NM_001098816.3(TENM4):c.824G>A (p.Arg275His)

Gene: TENM4 (teneurin transmembrane protein 4; minus strand). Cytogenetic location: 11q14.1.
Variant type: single nucleotide variant.
Coding change: c.824G>A on transcript NM_001098816.3 (MANE Select); coding-DNA position 824, G replaced by A.
Protein change: p.Arg275His; replaces arginine 275 with histidine.
Molecular consequence: missense variant.
Genome position (GRCh38, 1-based): chr11:78,891,262, C>T on the plus strand (G>A on the coding strand, the complement: TENM4 is on the minus strand). VCF-style: chr11-78891262-C-T. GRCh37 (hg19) VCF-style: chr11-78602307-C-T.
Other names: p.Arg275His; short protein forms R275H.
Identifiers: ClinVar variation 3805638 (VCV003805638.2).

ClinVar aggregate classification (germline): Uncertain significance. Review status: criteria provided, multiple submitters, no conflicts (2 of 4 stars). 2 submissions from 2 submitters: Uncertain significance (2). Last evaluated 2025-10-19.

gnomAD v4.1: 483 of 1,551,564 alleles (0.031%); highest among the groups gnomAD compares: Non-Finnish European, 0.04%; 1 homozygote.

Submissions (2):

Mayo Clinic Laboratories, Mayo Clinic
Classification: Uncertain significance. Last evaluated: 2025-10-19. Review status: criteria provided, single submitter. Criteria: ACMG Guidelines, 2015. Collection method: clinical testing. Allele origin: germline. Observed: 1 variant allele.
Comment: BS2

Ambry Genetics
Classification: Uncertain significance. Last evaluated: 2025-02-07. Review status: criteria provided, single submitter. Criteria: Ambry Variant Classification Scheme 2023. Collection method: clinical testing. Allele origin: germline.